The following is an entry in ClinVar:

ClinVar aggregate classification (germline): Likely benign (1 of 4 stars; one submission).

Conditions:
MYH1-related disorder. Also called: MYH1-related condition.

gnomAD v4.1: 755 of 1,613,946 alleles (0.047%); highest among the groups gnomAD compares: South Asian, 0.15%; 3 homozygotes.

Submission:

PreventionGenetics, part of Exact Sciences
Classification: Likely benign for MYH1-related condition. Last evaluated: 2025-10-30. Review status: criteria provided, single submitter. Criteria: ACMG Guidelines, 2015. Collection method: clinical testing. Allele origin: germline.
Comment: This variant is classified as likely benign based on ACMG/AMP sequence variant interpretation guidelines (Richards et al. 2015 PMID: 25741868, with internal and published modifications).

NM_005963.4(MYH1):c.4156C>T (p.Arg1386Cys)

Genes: MYH1 (myosin heavy chain 1; minus strand), MYHAS (myosin heavy chain gene cluster antisense RNA; plus strand). Cytogenetic location: 17p13.1.
Variant type: single nucleotide variant.
Coding change: c.4156C>T on transcript NM_005963.4 (MANE Select); coding-DNA position 4156, C replaced by T.
Protein change: p.Arg1386Cys; replaces arginine 1386 with cysteine.
Molecular consequence: missense variant.
Genome position (GRCh38, 1-based): chr17:10,498,651, G>A on the plus strand (C>T on the coding strand, the complement: MYH1 is on the minus strand). VCF-style: chr17-10498651-G-A. GRCh37 (hg19) VCF-style: chr17-10401968-G-A.
Other names: short protein forms R1386C.
Identifiers: ClinVar variation 4980273 (VCV004980273.1).